The following is an entry in ClinVar:

NM_006005.3(WFS1):c.2414G>A (p.Arg805Gln)

Gene: WFS1 (wolframin ER transmembrane glycoprotein; plus strand). Cytogenetic location: 4p16.1.
Variant type: single nucleotide variant.
Coding change: c.2414G>A on transcript NM_006005.3 (MANE Select); coding-DNA position 2414, G replaced by A.
Protein change: p.Arg805Gln; replaces arginine 805 with glutamine.
Molecular consequence: missense variant.
Genome position (GRCh38, 1-based): chr4:6,302,209, G>A. VCF-style: chr4-6302209-G-A. GRCh37 (hg19) VCF-style: chr4-6303936-G-A.
Other names: c.2414G>A, p.Arg805Gln (NM_001145853.1); short protein forms R805Q.
Identifiers: ClinVar variation 166610 (VCV000166610.16), dbSNP rs140667597, ClinGen allele CA179681.

ClinVar aggregate classification (germline): Uncertain significance/Uncertain risk allele. Review status: criteria provided, multiple submitters, no conflicts (2 of 4 stars). 6 submissions from 6 submitters: Uncertain significance (5); Uncertain risk allele (1). Last evaluated 2026-09-17.

Conditions:
Cataract 41 (CTRCT41). Also called: CATARACT 41, CONGENITAL NUCLEAR TYPE. Identifiers: Orphanet 91492, Orphanet 98991, Orphanet 98992, Orphanet 98995, MedGen C3805412, MONDO:0007287, OMIM 116400.
Wolfram-like syndrome. Also called: HEARING LOSS, PROGRESSIVE, WITH OPTIC ATROPHY AND/OR IMPAIRED GLUCOSE REGULATION. Identifiers: Orphanet 411590, MedGen C3280358, MONDO:0013673, OMIM 614296.
Wolfram syndrome 1 (WFS1). Identifiers: Orphanet 3463, MedGen C4551693, MONDO:0009101, OMIM 222300.
Autosomal dominant nonsyndromic hearing loss 6 (LFSNHL). Also called: Autosomal dominant nonsyndromic deafness 6; DEAFNESS, AUTOSOMAL DOMINANT 6; DEAFNESS, AUTOSOMAL DOMINANT 14; DEAFNESS, AUTOSOMAL DOMINANT 38. Identifiers: Orphanet 90635, MedGen C1833021, MONDO:0010963, OMIM 600965.
Type 2 diabetes mellitus. Also called: Type II diabetes mellitus. Identifiers: MedGen C0011860, MeSH D003924, MONDO:0005148, OMIM 125853, HP:0005978.

Allele frequency attached by ClinVar (database versions not stated): gnomAD 0.00005 and 0.00006; gnomAD exomes 0.00006; TOPMed 0.00006; ExAC 0.00009; ESP Exome Variant Server 0.00015.
gnomAD v4.1: 63 of 1,610,968 alleles (0.0039%); highest among the groups gnomAD compares: Admixed American, 0.012%; no homozygotes.

Submissions (6):

GeneDx
Classification: Uncertain significance. Last evaluated: 2026-09-17. Review status: criteria provided, single submitter. Criteria: GeneDx Variant Classification Process June 2021. Collection method: clinical testing. Allele origin: germline.
Comment: Reported in published literature in a patient with sensorineural hearing loss who had a different genetic etiology for the phenotype, and in a patient with early-onset type 2 diabetes (PMID: 37277527, 35938034); In silico analysis suggests that this missense variant does not alter protein structure/function; This variant is associated with the following publications: (PMID: 37277527, 35938034)

Labcorp Genetics (formerly Invitae), Labcorp
Classification: Uncertain significance. Last evaluated: 2025-08-31. Review status: criteria provided, single submitter. Criteria: Invitae Variant Classification Sherloc (09022015). Collection method: clinical testing. Allele origin: germline.
Comment: This sequence change replaces arginine, which is basic and polar, with glutamine, which is neutral and polar, at codon 805 of the WFS1 protein (p.Arg805Gln). This variant is present in population databases (rs140667597, gnomAD 0.01%). This missense change has been observed in individual(s) with type 2 diabetes (PMID: 37277527). ClinVar contains an entry for this variant (Variation ID: 166610). Invitae Evidence Modeling of protein sequence and biophysical properties (such as structural, functional, and spatial information, amino acid conservation, physicochemical variation, residue mobility, and thermodynamic stability) indicates that this missense variant is not expected to disrupt WFS1 protein function with a negative predictive value of 95%. In summary, the available evidence is currently insufficient to determine the role of this variant in disease. Therefore, it has been classified as a Variant of Uncertain Significance.

Blueprint Genetics
Classification: Uncertain significance. Last evaluated: 2022-03-15. Review status: criteria provided, single submitter. Criteria: ACMG Guidelines, 2015. Collection method: clinical testing. Allele origin: germline.

Fulgent Genetics
Classification: Uncertain significance for Cataract 41; Type 2 diabetes mellitus; Wolfram syndrome 1; Autosomal dominant nonsyndromic hearing loss 6; Wolfram-like syndrome. Last evaluated: 2022-02-02. Review status: criteria provided, single submitter. Criteria: ACMG Guidelines, 2015. Collection method: clinical testing. Allele origin: unknown.

Laboratory for Molecular Medicine, Mass General Brigham Personalized Medicine
Classification: Uncertain significance. Last evaluated: 2014-08-07. Review status: criteria provided, single submitter. Criteria: LMM Criteria. Collection method: clinical testing. Allele origin: germline. Observed: 2 variant alleles.
Comment: The Arg805Gln variant in WFS1 has not been previously reported in individuals wi th hearing loss, but has been identified in (1/8600) of European American chromo somes and (1/4406) of African American chromosomes by the NHLBI Exome Sequencing Project (dbSNP rs140667597). Computational p rediction tools and conservation analyses suggest that the Arg805Gln variant may not impact the protein, though this information is not predictive enough to rul e out pathogenicity. In summary, the clinical significance of the Arg805Gln vari ant is uncertain.

Clinical Genomics, Uppaluri K&H Personalized Medicine Clinic
Classification: Uncertain risk allele for Wolfram syndrome 1. Review status: criteria provided, single submitter. Criteria: K & H Uppaluri Personalized Medicine Clinic Variant Classification & Assertion Criteria_Updated V.1. Collection method: research. Allele origin: unknown. Inheritance: Autosomal recessive inheritance.
Comment: Potent mutations in WFS1 gene are associated with Wolfram's syndrome, an autosomal recessive condition, which cause diabetes mellitus, diabetes insipidus, deafness and optic atrophy. However no sufficient evidence is found to ascertain the role of this particular variant rs140667597 in Wolfram's syndrome yet.

Literature cited by the submitters: PubMed 37277527 (cited by Labcorp Genetics (formerly Invitae), Labcorp); PubMed 20738327 (cited by Clinical Genomics, Uppaluri K&H Personalized Medicine Clinic); PubMed 33879153 (cited by Clinical Genomics, Uppaluri K&H Personalized Medicine Clinic); PubMed 12955714 (cited by Clinical Genomics, Uppaluri K&H Personalized Medicine Clinic); PubMed 18060660 (cited by Clinical Genomics, Uppaluri K&H Personalized Medicine Clinic); PubMed 20301750 (cited by Clinical Genomics, Uppaluri K&H Personalized Medicine Clinic); PubMed 17603484 (cited by Clinical Genomics, Uppaluri K&H Personalized Medicine Clinic).